The following is an entry in ClinVar:

ClinVar aggregate classification (germline): Uncertain significance (1 of 4 stars; one submission).

gnomAD v4.1: 11 of 1,613,236 alleles (0.00068%); highest among the groups gnomAD compares: Admixed American, 0.0017%; no homozygotes.

Submission:

Labcorp Genetics (formerly Invitae), Labcorp
Classification: Uncertain significance. Last evaluated: 2024-02-23. Review status: criteria provided, single submitter. Criteria: Invitae Variant Classification Sherloc (09022015). Collection method: clinical testing. Allele origin: germline.
Comment: This sequence change affects codon 282 of the HOMER2 mRNA. It is a 'silent' change, meaning that it does not change the encoded amino acid sequence of the HOMER2 protein. This variant is present in population databases (rs777681139, gnomAD 0.003%). This variant has not been reported in the literature in individuals affected with HOMER2-related conditions. Algorithms developed to predict the effect of sequence changes on RNA splicing suggest that this variant may create or strengthen a splice site. In summary, the available evidence is currently insufficient to determine the role of this variant in disease. Therefore, it has been classified as a Variant of Uncertain Significance.

NM_004839.4(HOMER2):c.846G>A (p.Ala282=)

Gene: HOMER2 (homer scaffold protein 2; minus strand). Cytogenetic location: 15q25.2.
Variant type: single nucleotide variant.
Coding change: c.846G>A on transcript NM_004839.4 (MANE Select); coding-DNA position 846, G replaced by A.
Protein change: p.Ala282=; no amino-acid change (alanine 282 retained).
Molecular consequence: synonymous variant.
Genome position (GRCh38, 1-based): chr15:82,849,901, C>T on the plus strand (G>A on the coding strand, the complement: HOMER2 is on the minus strand). VCF-style: chr15-82849901-C-T. GRCh37 (hg19) VCF-style: chr15-83518653-C-T.
Other names: c.879G>A, p.Ala293= (NM_199330.3).
Identifiers: ClinVar variation 3610651 (VCV003610651.2).